The following is an entry in ClinVar:

ClinVar aggregate classification (germline): Conflicting classifications of pathogenicity. Review status: criteria provided, conflicting classifications (1 of 4 stars). 7 submissions from 7 submitters: Likely pathogenic (3); Uncertain significance (3); Likely benign (1). Last evaluated 2025-09-19.

Conditions:
Occult macular dystrophy (OCMD). Also called: OMD; OCCULT MACULAR DYSTROPHY, SUSCEPTIBILITY TO. Identifiers: Orphanet 247834, MedGen C3150833, MONDO:0013316, OMIM 613587, HP:0030636.
Retinitis pigmentosa 88. Identifiers: MedGen C5394208, MONDO:0032940, OMIM 618826.

Allele frequency attached by ClinVar (database versions not stated): 1000 Genomes Project 0.00220; 1000 Genomes Project 30x 0.00234.

Submissions (7):

First Genomix Gene Laboratory, Genetic Diagnostics Department
Classification: Likely pathogenic for Retinitis pigmentosa 88. Last evaluated: 2025-09-19. Review status: criteria provided, single submitter. Criteria: ACMG Guidelines, 2015. Collection method: clinical testing. Allele origin: germline. Inheritance: Autosomal recessive inheritance. Affected: no. Observed: 1 variant allele.

Blueprint Genetics
Classification: Likely benign. Last evaluated: 2024-11-25. Review status: criteria provided, single submitter. Criteria: ACMG Guidelines, 2015. Collection method: clinical testing. Allele origin: germline.

Women's Health and Genetics/Laboratory Corporation of America, LabCorp
Classification: Uncertain significance. Last evaluated: 2023-04-27. Review status: criteria provided, single submitter. Criteria: LabCorp Variant Classification Summary - May 2015. Collection method: clinical testing. Allele origin: germline.
Comment: Variant summary: RP1L1 c.5821C>T (p.Gln1941X) results in a premature termination codon located in the last exon, and is therefore not expected to result in nonsense mediated decay. No variants have been reliably classified as pathogenic in ClinVar. The variant allele was found at a frequency of 0.00038 in 249526 (96/249526) control chromosomes. c.5821C>T has been reported in the literature in individuals affected with blindnes or inherited retinal dystrophies, without strong evidence for causality (Dineiro_2020, Martin-Sanchez_2020, Rodriguez-Munoz_2020). In one report, the variant was said to segregate in at least 1 additional family member, however the second variant in this cases was of unknown significance (Martin-Sanchez_2020). These reports do not provide unequivocal conclusions about association of the variant with RP1L1-Related Disorders. To our knowledge, no experimental evidence demonstrating an impact on protein function has been reported. The following publications have been ascertained in the context of this evaluation (PMID: 32483926, 33302505, 32036094). Four clinical diagnostic laboratories have submitted clinical-significance assessments for this variant to ClinVar after 2014 without evidence for independent evaluation. Multiple laboratories reported the variant with conflicting assessments: two submitters classified the variant as VUS while one classified as likely benign and likely pathogenic, respectively. Based on the evidence outlined above, the variant was classified as uncertain significance.

Department of Pathology and Laboratory Medicine, Sinai Health System
Classification: Likely pathogenic for Occult macular dystrophy; Retinitis pigmentosa 88. Last evaluated: 2022-05-12. Review status: criteria provided, single submitter. Criteria: ACMG Guidelines, 2015. Collection method: research. Allele origin: germline.

Molecular Genetics, Royal Melbourne Hospital
Classification: Uncertain significance for Retinitis pigmentosa 88. Last evaluated: 2022-04-05. Review status: criteria provided, single submitter. Criteria: ACMG Guidelines, 2015. Collection method: clinical testing. Allele origin: germline.
Comment: This sequence change creates a premature termination codon at position 1941 in exon 4 (of 4) of RP1L1, p.(Gln1941*). While this is not anticipated to result in nonsense mediated decay, it is expected to remove the last 460 amino acids in a region of unknown function. At least one pathogenic downstream predicted loss of function variant has been reported to cause retinitis pigmentosa (PMID: 26355662, 32360662 ). The variant is present in a large population cohort at a frequency of 0.04% (rs201017122, 110/280,716 alleles, 0 homozygotes in gnomAD v2.1), with an allele frequency of 0.08% in the Latino/admixed American population. It has been identified in a case with an inherited retinal disorder with a variant of uncertain significance on the second allele, and segregates with disease in a single family (PMID: 33302505). Based on the classification scheme RMH Modified ACMG Guidelines v1.4.0, this variant is classified as a VARIANT OF UNCERTAIN SIGNIFICANCE. Following criteria are met: PVS1_Strong, PP1.

DBGen Ocular Genomics
Classification: Likely pathogenic for Retinitis pigmentosa 88. Last evaluated: 2021-06-22. Review status: criteria provided, single submitter. Criteria: ACMG Guidelines, 2015. Collection method: clinical testing. Allele origin: germline. Affected: yes. Observed: 1 variant allele.

CeGaT Center for Human Genetics Tuebingen
Classification: Uncertain significance. Last evaluated: 2017-07-01. Review status: criteria provided, single submitter. Criteria: CeGaT Center For Human Genetics Tuebingen Variant Classification Criteria Version 2. Collection method: clinical testing. Allele origin: germline. Affected: yes. Observed: 1 variant allele.

Literature cited by the submitters: PubMed 32036094 (cited by Women's Health and Genetics/Laboratory Corporation of America, LabCorp); PubMed 32483926 (cited by Women's Health and Genetics/Laboratory Corporation of America, LabCorp); PubMed 33302505 (cited by Women's Health and Genetics/Laboratory Corporation of America, LabCorp and Molecular Genetics, Royal Melbourne Hospital); PubMed 26355662 (cited by Molecular Genetics, Royal Melbourne Hospital); PubMed 32360662 (cited by Molecular Genetics, Royal Melbourne Hospital).

NM_178857.6(RP1L1):c.5821C>T (p.Gln1941Ter)

Gene: RP1L1 (RP1 like 1). Cytogenetic location: 8p23.1.
Variant type: single nucleotide variant.
Coding change: c.5821C>T on transcript NM_178857.6 (MANE Select); coding-DNA position 5821, C replaced by T.
Protein change: p.Gln1941Ter; replaces glutamine 1941 with a stop codon.
Molecular consequence: nonsense.
Genome position (GRCh38, 1-based): chr8:10,608,277, G>A on the plus strand (C>T on the coding strand, the complement: RP1L1 is on the minus strand). VCF-style: chr8-10608277-G-A. GRCh37 (hg19) VCF-style: chr8-10465787-G-A.
Other names: short protein forms Q1941*.
Identifiers: ClinVar variation 361237 (VCV000361237.54), dbSNP rs201017122, ClinGen allele CA4623523.